The following is an entry in ClinVar:

ClinVar aggregate classification (germline): Uncertain significance (1 of 4 stars; one submission).

Conditions:
Inborn genetic diseases. Identifiers: MedGen C0950123, MeSH D030342.

Submission:

Ambry Genetics
Classification: Uncertain significance for Inborn genetic diseases. Last evaluated: 2025-10-25. Review status: criteria provided, single submitter. Criteria: Ambry Variant Classification Scheme 2023. Collection method: clinical testing. Allele origin: germline.
Comment: The p.Q776H variant (also known as c.2328G>C), located in coding exon 1 of the SAMD9 gene, results from a G to C substitution at nucleotide position 2328. The glutamine at codon 776 is replaced by histidine, an amino acid with highly similar properties. This amino acid position is conserved. In addition, the in silico prediction for this alteration is inconclusive. Based on the available evidence, the clinical significance of this variant remains unclear.

NM_017654.4(SAMD9):c.2328G>C (p.Gln776His)

Gene: SAMD9 (sterile alpha motif domain containing 9; minus strand). Cytogenetic location: 7q21.2.
Variant type: single nucleotide variant.
Coding change: c.2328G>C on transcript NM_017654.4 (MANE Select); coding-DNA position 2328, G replaced by C.
Protein change: p.Gln776His; replaces glutamine 776 with histidine.
Molecular consequence: missense variant.
Genome position (GRCh38, 1-based): chr7:93,103,770, C>G on the plus strand (G>C on the coding strand, the complement: SAMD9 is on the minus strand). VCF-style: chr7-93103770-C-G. GRCh37 (hg19) VCF-style: chr7-92733083-C-G.
Other names: c.2328G>C, p.Gln776His (NM_001193307.2); short protein forms Q776H.
Identifiers: ClinVar variation 4629894 (VCV004629894.1).